The following is an entry in ClinVar:

ClinVar aggregate classification (germline): Benign/Likely benign. Review status: criteria provided, multiple submitters, no conflicts (2 of 4 stars). 5 submissions from 5 submitters: Benign (1); Likely benign (4). Last evaluated 2026-02-04.

Conditions:
VPS13A-related neurodegenerative disease. Also called: Choreoacanthocytosis; Chorea-acanthocytosis; Choreaacanthocytosis; LEVINE-CRITCHLEY SYNDROME; VPS13A Disease; ACANTHOCYTOSIS WITH NEUROLOGIC DISORDER. Identifiers: Orphanet 2388, MedGen C0393576, MONDO:0008695, OMIM 200150.

Allele frequency attached by ClinVar (database versions not stated): 1000 Genomes Project 0.00120; 1000 Genomes Project 30x 0.00125; ExAC 0.00263; gnomAD exomes 0.00275 and 0.00521; gnomAD 0.00310 and 0.00342; TOPMed 0.00353; ESP Exome Variant Server 0.00424.
gnomAD v4.1: 8,024 of 1,610,488 alleles (0.5%); highest among the groups gnomAD compares: Non-Finnish European, 0.64%; 23 homozygotes.

Submissions (5):

Labcorp Genetics (formerly Invitae), Labcorp
Classification: Benign. Last evaluated: 2026-02-04. Review status: criteria provided, single submitter. Criteria: Invitae Variant Classification Sherloc (09022015). Collection method: clinical testing. Allele origin: germline.

Blueprint Genetics
Classification: Likely benign. Last evaluated: 2024-11-18. Review status: criteria provided, single submitter. Criteria: ACMG Guidelines, 2015. Collection method: clinical testing. Allele origin: germline.

GeneDx
Classification: Likely benign. Last evaluated: 2020-09-01. Review status: criteria provided, single submitter. Criteria: GeneDx Variant Classification Process June 2021. Collection method: clinical testing. Allele origin: germline. Affected: yes.

Illumina Laboratory Services, Illumina
Classification: Likely benign for VPS13A-related neurodegenerative disease. Last evaluated: 2018-01-13. Review status: criteria provided, single submitter. Criteria: ICSL Variant Classification Criteria 13 December 2019. Collection method: clinical testing. Allele origin: germline.
Comment: This variant was observed in the ICSL laboratory as part of a predisposition screen in an ostensibly healthy population. It had not been previously curated by ICSL or reported in the Human Gene Mutation Database (HGMD: prior to June 1st, 2018), and was therefore a candidate for classification through an automated scoring system. Utilizing variant allele frequency, disease prevalence and penetrance estimates, and inheritance mode, an automated score was calculated to assess if this variant is too frequent to cause the disease. Based on the score and internal cut-off values, a variant classified as likely benign is not then subjected to further curation. The score for this variant resulted in a classification of likely benign for this disease.

Breakthrough Genomics
Classification: Likely benign. Review status: criteria provided, single submitter. Criteria: ACMG Guidelines, 2015. Collection method: not provided. Allele origin: germline. Inheritance: Autosomal recessive inheritance. Affected: yes.

NM_033305.3(VPS13A):c.2667+12G>A

Gene: VPS13A (vacuolar protein sorting 13 homolog A; plus strand). Cytogenetic location: 9q21.2.
Variant type: single nucleotide variant.
Coding change: c.2667+12G>A on transcript NM_033305.3 (MANE Select); 12 bases into the intron after coding-DNA position 2667, G replaced by A.
Molecular consequence: intron variant.
Genome position (GRCh38, 1-based): chr9:77,275,664, G>A. VCF-style: chr9-77275664-G-A. GRCh37 (hg19) VCF-style: chr9-79890580-G-A.
Other names: c.2667+12G>A (NM_001018037.2, NM_015186.4, NM_001018038.3).
Identifiers: ClinVar variation 912386 (VCV000912386.16), dbSNP rs199995355, ClinGen allele CA5092000.